The following is an entry in ClinVar:

ClinVar aggregate classification (germline): Benign/Likely benign. Review status: criteria provided, multiple submitters, no conflicts (2 of 4 stars). 9 submissions from 9 submitters: Benign (5); Likely benign (2). 2 of the submissions do not count toward it. Last evaluated 2026-02-04.

Conditions:
Coffin-Siris syndrome. Identifiers: Orphanet 1465, MedGen C0265338, MONDO:0015452.
Rhabdoid tumor predisposition syndrome 2 (RTPS2). Identifiers: Orphanet 231108, Orphanet 69077, MedGen C2750074, MONDO:0013224, OMIM 613325.
Hereditary nonpolyposis colon cancer (HNPCC). Also called: Hereditary nonpolyposis colorectal cancer; Familial nonpolyposis colon cancer; Hereditary Nonpolyposis Colorectal Cancer Syndrome. Identifiers: Orphanet 443909, MedGen C1333990, MONDO:0018630. Disease mechanism: loss of function.
Intellectual disability, autosomal dominant 16 (CSS4). Also called: COFFIN-SIRIS SYNDROME 4. Identifiers: Orphanet 1465, MedGen C3553249, MONDO:0013821, OMIM 614609.

Allele frequency attached by ClinVar (database versions not stated): 1000 Genomes Project 0.00479; 1000 Genomes Project 30x 0.00500; gnomAD 0.00813; TOPMed 0.00814; ESP Exome Variant Server 0.00976.
gnomAD v4.1: 20,043 of 1,613,726 alleles (1.2%); highest among the groups gnomAD compares: Non-Finnish European, 1.5%; 169 homozygotes.

Submissions (9):

Labcorp Genetics (formerly Invitae), Labcorp
Classification: Benign for Rhabdoid tumor predisposition syndrome 2. Last evaluated: 2026-02-04. Review status: criteria provided, single submitter. Criteria: Invitae Variant Classification Sherloc (09022015). Collection method: clinical testing. Allele origin: germline.

ARUP Laboratories, Molecular Genetics and Genomics, ARUP Laboratories
Classification: Benign. Last evaluated: 2024-04-04. Review status: criteria provided, single submitter. Criteria: ARUP Molecular Germline Variant Investigation Process 2024. Collection method: clinical testing. Allele origin: germline.

Department of Pathology and Laboratory Medicine, Sinai Health System
Classification: Benign for hereditary nonpolyposis colon cancer. Last evaluated: 2023-07-31. Review status: criteria provided, single submitter. Criteria: ACMG Guidelines, 2015. Collection method: clinical testing. Allele origin: germline.

Genome-Nilou Lab
Classification: Benign for Intellectual disability, autosomal dominant 16. Last evaluated: 2021-07-15. Review status: criteria provided, single submitter. Criteria: ACMG Guidelines, 2015. Collection method: clinical testing. Allele origin: germline. Affected: no.

Illumina Laboratory Services, Illumina
Classification: Benign for Coffin-Siris syndrome. Last evaluated: 2018-01-12. Review status: criteria provided, single submitter. Criteria: ICSL Variant Classification Criteria 13 December 2019. Collection method: clinical testing. Allele origin: germline.
Comment: This variant was observed in the ICSL laboratory as part of a predisposition screen in an ostensibly healthy population. It had not been previously curated by ICSL or reported in the Human Gene Mutation Database (HGMD: prior to June 1st, 2018), and was therefore a candidate for classification through an automated scoring system. Utilizing variant allele frequency, disease prevalence and penetrance estimates, and inheritance mode, an automated score was calculated to assess if this variant is too frequent to cause the disease. Based on the score and internal cut-off values, a variant classified as benign is not then subjected to further curation. The score for this variant resulted in a classification of benign for this disease.

GeneDx
Classification: Likely benign. Last evaluated: 2017-06-15. Review status: criteria provided, single submitter. Criteria: GeneDx Variant Classification (06012015). Collection method: clinical testing. Allele origin: germline. Affected: yes.
Comment: This variant is considered likely benign or benign based on one or more of the following criteria: it is a conservative change, it occurs at a poorly conserved position in the protein, it is predicted to be benign by multiple in silico algorithms, and/or has population frequency not consistent with disease.

Breakthrough Genomics
Classification: Likely benign. Review status: criteria provided, single submitter. Criteria: ACMG Guidelines, 2015. Collection method: not provided. Allele origin: germline. Inheritance: Autosomal dominant inheritance. Affected: yes.

Genome Diagnostics Laboratory, Amsterdam University Medical Center
Classification: Benign. Review status: no assertion criteria provided. Collection method: clinical testing. Allele origin: germline. Affected: yes. Study: VKGL Data-share Consensus. Not counted in ClinVar's aggregate classification.

Laboratory of Diagnostic Genome Analysis, Leiden University Medical Center (LUMC)
Classification: Likely benign. Review status: no assertion criteria provided. Collection method: clinical testing. Allele origin: germline. Affected: yes. Study: VKGL Data-share Consensus. Not counted in ClinVar's aggregate classification.

NM_003072.5(SMARCA4):c.4768+15G>C

Gene: SMARCA4 (SWI/SNF related BAF chromatin remodeling complex subunit ATPase 4; plus strand). Cytogenetic location: 19p13.2.
Variant type: single nucleotide variant.
Coding change: c.4768+15G>C on transcript NM_003072.5 (MANE Select); 15 bases into the intron after coding-DNA position 4768, G replaced by C.
Molecular consequence: intron variant.
Genome position (GRCh38, 1-based): chr19:11,059,900, G>C. VCF-style: chr19-11059900-G-C. GRCh37 (hg19) VCF-style: chr19-11170576-G-C.
Other names: c.4768+15G>C (NM_001128844.3); c.4864+15G>C (NM_001128849.3, NM_001387283.1, NM_001128849.2); c.4669+15G>C (NM_001128847.4, NM_001374457.1); c.4678+15G>C (NM_001128845.2); c.4675+15G>C (NM_001128846.2); c.4666+15G>C (NM_001128848.2).
Identifiers: ClinVar variation 328042 (VCV000328042.30), dbSNP rs113131294, ClinGen allele CA9204848.